The following is an entry in ClinVar:

ClinVar aggregate classification (germline): Uncertain significance. Review status: criteria provided, multiple submitters, no conflicts (2 of 4 stars). 2 submissions from 2 submitters: Uncertain significance (2). Last evaluated 2025-12-08.

Conditions:
Cardiovascular phenotype. Identifiers: MedGen CN230736.
Brugada syndrome. Also called: Sudden Unexplained Death Syndrome; Sudden Unexplained Nocturnal Death Syndrome (SUNDS); Sudden unexpected nocturnal death syndrome; Sudden unexplained nocturnal death syndrome. Identifiers: Orphanet 130, MedGen C1142166, MONDO:0015263.

Allele frequency attached by ClinVar (database versions not stated): gnomAD exomes 0.00001.
gnomAD v4.1: 8 of 1,611,792 alleles (0.0005%); highest among the groups gnomAD compares: Non-Finnish European, 0.00068%; no homozygotes.

Submissions (2):

Labcorp Genetics (formerly Invitae), Labcorp
Classification: Uncertain significance for Brugada syndrome. Last evaluated: 2025-12-08. Review status: criteria provided, single submitter. Criteria: Invitae Variant Classification Sherloc (09022015). Collection method: clinical testing. Allele origin: germline.
Comment: This sequence change replaces threonine, which is neutral and polar, with serine, which is neutral and polar, at codon 1057 of the CACNA2D1 protein (p.Thr1057Ser). This variant is not present in population databases (gnomAD no frequency). This variant has not been reported in the literature in individuals affected with CACNA2D1-related conditions. ClinVar contains an entry for this variant (Variation ID: 1345360). An algorithm developed to predict the effect of missense changes on protein structure and function outputs the following: PolyPhen-2: "Benign". The serine amino acid residue is found in multiple mammalian species, which suggests that this missense change does not adversely affect protein function. In summary, the available evidence is currently insufficient to determine the role of this variant in disease. Therefore, it has been classified as a Variant of Uncertain Significance.

Ambry Genetics
Classification: Uncertain significance for Cardiovascular phenotype. Last evaluated: 2019-02-08. Review status: criteria provided, single submitter. Criteria: Ambry Variant Classification Scheme 2023. Collection method: clinical testing. Allele origin: germline.
Comment: The p.T1057S variant (also known as c.3170C>G), located in coding exon 39 of the CACNA2D1 gene, results from a C to G substitution at nucleotide position 3170. The threonine at codon 1057 is replaced by serine, an amino acid with similar properties. This amino acid position is well conserved in available vertebrate species; however, serine is the reference amino acid in other vertebrate species. In addition, this alteration is predicted to be tolerated by in silico analysis. Since supporting evidence is limited at this time, the clinical significance of this alteration remains unclear.

NM_000722.4(CACNA2D1):c.3170C>G (p.Thr1057Ser)

Gene: CACNA2D1 (calcium voltage-gated channel auxiliary subunit alpha2delta 1; minus strand). Cytogenetic location: 7q21.11.
Variant type: single nucleotide variant.
Coding change: c.3170C>G on transcript NM_000722.4 (MANE Select); coding-DNA position 3170, C replaced by G.
Protein change: p.Thr1057Ser; replaces threonine 1057 with serine.
Molecular consequence: missense variant.
Genome position (GRCh38, 1-based): chr7:81,950,498, G>C on the plus strand (C>G on the coding strand, the complement: CACNA2D1 is on the minus strand). VCF-style: chr7-81950498-G-C. GRCh37 (hg19) VCF-style: chr7-81579814-G-C.
Other names: c.3206C>G, p.Thr1069Ser (NM_001366867.1); short protein forms T1057S, T1069S.
Identifiers: ClinVar variation 1345360 (VCV001345360.8), dbSNP rs2129932628, ClinGen allele CA367880424.